The following is an entry in ClinVar:

NM_000393.5(COL5A2):c.3599G>A (p.Gly1200Asp)

Gene: COL5A2 (collagen type V alpha 2 chain; minus strand). Cytogenetic location: 2q32.2.
Variant type: single nucleotide variant.
Coding change: c.3599G>A on transcript NM_000393.5 (MANE Select); coding-DNA position 3599, G replaced by A.
Protein change: p.Gly1200Asp; replaces glycine 1200 with aspartic acid.
Molecular consequence: missense variant.
Genome position (GRCh38, 1-based): chr2:189,041,620, C>T on the plus strand (G>A on the coding strand, the complement: COL5A2 is on the minus strand). VCF-style: chr2-189041620-C-T. GRCh37 (hg19) VCF-style: chr2-189906346-C-T.
Other names: short protein forms G1200D.
Identifiers: ClinVar variation 4740618 (VCV004740618.1).

ClinVar aggregate classification (germline): Uncertain significance (1 of 4 stars; one submission).

Conditions:
Ehlers-Danlos syndrome, classic type, 1 (EDSCL1). Also called: EHLERS-DANLOS SYNDROME, GRAVIS TYPE; EHLERS-DANLOS SYNDROME, SEVERE CLASSIC TYPE; Ehlers-Danlos syndrome, type 1; Ehlers-Danlos Syndrome, Classic Type, COL5A1-Related; EDS I. Identifiers: MedGen C0268335, MONDO:0019567, OMIM 130000.

Submission:

Labcorp Genetics (formerly Invitae), Labcorp
Classification: Uncertain significance for Ehlers-Danlos syndrome, classic type, 1. Last evaluated: 2025-05-22. Review status: criteria provided, single submitter. Criteria: Invitae Variant Classification Sherloc (09022015). Collection method: clinical testing. Allele origin: germline.
Comment: This sequence change replaces glycine, which is neutral and non-polar, with aspartic acid, which is acidic and polar, at codon 1200 of the COL5A2 protein (p.Gly1200Asp). This variant is not present in population databases (gnomAD no frequency). This variant has not been reported in the literature in individuals affected with COL5A2-related conditions. Invitae Evidence Modeling of protein sequence and biophysical properties (such as structural, functional, and spatial information, amino acid conservation, physicochemical variation, residue mobility, and thermodynamic stability) indicates that this missense variant is expected to disrupt COL5A2 protein function with a positive predictive value of 80%. In summary, the available evidence is currently insufficient to determine the role of this variant in disease. Therefore, it has been classified as a Variant of Uncertain Significance.